The following is an entry in ClinVar:

NM_001084.5(PLOD3):c.1696G>A (p.Val566Met)

Gene: PLOD3 (procollagen-lysine,2-oxoglutarate 5-dioxygenase 3; minus strand). Cytogenetic location: 7q22.1.
Variant type: single nucleotide variant.
Coding change: c.1696G>A on transcript NM_001084.5 (MANE Select); coding-DNA position 1696, G replaced by A.
Protein change: p.Val566Met; replaces valine 566 with methionine.
Molecular consequence: missense variant.
Genome position (GRCh38, 1-based): chr7:101,208,945, C>T on the plus strand (G>A on the coding strand, the complement: PLOD3 is on the minus strand). VCF-style: chr7-101208945-C-T. GRCh37 (hg19) VCF-style: chr7-100852226-C-T.
Other names: short protein forms V566M.
Identifiers: ClinVar variation 2789875 (VCV002789875.2), dbSNP rs765922998, ClinGen allele CA4407543.

ClinVar aggregate classification (germline): Uncertain significance (1 of 4 stars; one submission).

Allele frequency attached by ClinVar (database versions not stated): TOPMed 0.00001; ExAC 0.00004.

Submission:

Labcorp Genetics (formerly Invitae), Labcorp
Classification: Uncertain significance. Last evaluated: 2023-10-26. Review status: criteria provided, single submitter. Criteria: Invitae Variant Classification Sherloc (09022015). Collection method: clinical testing. Allele origin: germline.
Comment: This sequence change replaces valine, which is neutral and non-polar, with methionine, which is neutral and non-polar, at codon 566 of the PLOD3 protein (p.Val566Met). This variant is present in population databases (rs765922998, gnomAD 0.005%). This variant has not been reported in the literature in individuals affected with PLOD3-related conditions. Advanced modeling of protein sequence and biophysical properties (such as structural, functional, and spatial information, amino acid conservation, physicochemical variation, residue mobility, and thermodynamic stability) performed at Invitae indicates that this missense variant is expected to disrupt PLOD3 protein function with a positive predictive value of 80%. In summary, the available evidence is currently insufficient to determine the role of this variant in disease. Therefore, it has been classified as a Variant of Uncertain Significance.